The following is an entry in ClinVar:

ClinVar aggregate classification (germline): Uncertain significance (1 of 4 stars; one submission).

Conditions:
Spastic paraplegia. Identifiers: MedGen C0037772, HP:0001258.

Allele frequency attached by ClinVar (database versions not stated): gnomAD 0.00001; gnomAD exomes 0.00001; TOPMed 0.00001.
gnomAD v4.1: 7 of 1,209,802 alleles (0.00058%); highest among the groups gnomAD compares: East Asian, 0.003%; no homozygotes.

Submission:

Labcorp Genetics (formerly Invitae), Labcorp
Classification: Uncertain significance for Spastic paraplegia. Last evaluated: 2025-11-25. Review status: criteria provided, single submitter. Criteria: Invitae Variant Classification Sherloc (09022015). Collection method: clinical testing. Allele origin: germline.
Comment: This sequence change replaces arginine, which is basic and polar, with tryptophan, which is neutral and slightly polar, at codon 409 of the L1CAM protein (p.Arg409Trp). This variant is not present in population databases (gnomAD no frequency). This variant has not been reported in the literature in individuals affected with L1CAM-related conditions. ClinVar contains an entry for this variant (Variation ID: 1347961). Invitae Evidence Modeling of protein sequence and biophysical properties (such as structural, functional, and spatial information, amino acid conservation, physicochemical variation, residue mobility, and thermodynamic stability) indicates that this missense variant is not expected to disrupt L1CAM protein function with a negative predictive value of 95%. In summary, the available evidence is currently insufficient to determine the role of this variant in disease. Therefore, it has been classified as a Variant of Uncertain Significance.

NM_001278116.2(L1CAM):c.1225C>T (p.Arg409Trp)

Gene: L1CAM (L1 cell adhesion molecule; minus strand). Cytogenetic location: Xq28.
Variant type: single nucleotide variant.
Coding change: c.1225C>T on transcript NM_001278116.2 (MANE Select); coding-DNA position 1225, C replaced by T.
Protein change: p.Arg409Trp; replaces arginine 409 with tryptophan.
Molecular consequence: missense variant.
Genome position (GRCh38, 1-based): chrX:153,869,562, G>A on the plus strand (C>T on the coding strand, the complement: L1CAM is on the minus strand). VCF-style: chrX-153869562-G-A. GRCh37 (hg19) VCF-style: chrX-153135017-G-A.
Other names: c.1225C>T, p.Arg409Trp (NM_000425.5, NM_024003.3); c.1210C>T, p.Arg404Trp (NM_001143963.2); short protein forms R404W, R409W.
Identifiers: ClinVar variation 1347961 (VCV001347961.4), dbSNP rs782132624, ClinGen allele CA10554409.